The following is an entry in ClinVar:

NM_002016.2(FLG):c.9253G>T (p.Gly3085Ter)

Genes: CCDST (cervical cancer associated DHX9 suppressive transcript; plus strand), FLG (filaggrin; minus strand). Cytogenetic location: 1q21.3.
Variant type: single nucleotide variant.
Coding change: c.9253G>T on transcript NM_002016.2 (MANE Select); coding-DNA position 9253, G replaced by T.
Protein change: p.Gly3085Ter; replaces glycine 3085 with a stop codon.
Molecular consequence: nonsense.
Genome position (GRCh38, 1-based): chr1:152,305,633, C>A on the plus strand (G>T on the coding strand, the complement: FLG is on the minus strand). VCF-style: chr1-152305633-C-A. GRCh37 (hg19) VCF-style: chr1-152278109-C-A.
Other names: short protein forms G3085*.
Identifiers: ClinVar variation 2580759 (VCV002580759.3), dbSNP rs761303232, ClinGen allele CA342079781.

ClinVar aggregate classification (germline): Pathogenic (1 of 4 stars; one submission).

Allele frequency attached by ClinVar (database versions not stated): TOPMed below 0.00001.

Submission:

GeneDx
Classification: Pathogenic. Last evaluated: 2026-10-24. Review status: criteria provided, single submitter. Criteria: GeneDx Variant Classification Process June 2021. Collection method: clinical testing. Allele origin: germline.
Comment: Reported among a cohort of patients undergoing trio exome sequencing analysis; zygosity and patient-specific clinical detail were not provided (PMID: 38523675); Nonsense variant predicted to result in protein truncation, as the last 977 amino acids are lost, and other loss-of-function variants have been reported downstream in HGMD; This variant is associated with the following publications: (PMID: 16444271, 38523675)